The following is an entry in ClinVar:

ClinVar aggregate classification (germline): Uncertain significance (1 of 4 stars; one submission).

Conditions:
Familial cancer of breast. Also called: BREAST CANCER, FAMILIAL; Hereditary breast cancer; hereditary breast carcinoma. Identifiers: Orphanet 227535, MedGen C0346153, MONDO:0016419, OMIM 114480. Disease mechanism: loss of function.

Submission:

Labcorp Genetics (formerly Invitae), Labcorp
Classification: Uncertain significance for Familial cancer of breast. Last evaluated: 2025-03-25. Review status: criteria provided, single submitter. Criteria: Invitae Variant Classification Sherloc (09022015). Collection method: clinical testing. Allele origin: germline.
Comment: This variant, c.1967_1969dup, results in the insertion of 1 amino acid(s) of the BARD1 protein (p.Gly656_Pro657insArg), but otherwise preserves the integrity of the reading frame. This variant is not present in population databases (gnomAD no frequency). This variant has not been reported in the literature in individuals affected with BARD1-related conditions. ClinVar contains an entry for this variant (Variation ID: 1055665). Experimental studies and prediction algorithms are not available or were not evaluated, and the functional significance of this variant is currently unknown. In summary, the available evidence is currently insufficient to determine the role of this variant in disease. Therefore, it has been classified as a Variant of Uncertain Significance.

NM_000465.4(BARD1):c.1967_1969dup (p.Gly656_Pro657insArg)

Gene: BARD1 (BRCA1 associated RING domain 1; minus strand). Cytogenetic location: 2q35.
Variant type: Duplication.
Coding change: c.1967_1969dup on transcript NM_000465.4 (MANE Select); coding-DNA positions 1967 to 1969, 3 bases duplicated (GTC; older notation c.1967_1969dupGTC).
Protein change: p.Gly656_Pro657insArg.
Molecular consequence: inframe insertion. On other transcripts: non-coding transcript variant (3).
Genome position (GRCh38, 1-based): chr2:214,730,443-214,730,445, GAC duplicated on the plus strand (GTC on the coding strand, the reverse complement: BARD1 is on the minus strand). VCF-style (leftmost placement, unchanged base first): chr2-214730442-G-GGAC. GRCh37 (hg19) VCF-style: chr2-215595166-G-GGAC.
Other names: c.1910_1912dup, p.Gly637_Pro638insArg (NM_001282543.2); c.614_616dup, p.Gly205_Pro206insArg (NM_001282545.2); c.557_559dup, p.Gly186_Pro187insArg (NM_001282548.2); c.428_430dup, p.Gly143_Pro144insArg (NM_001282549.2).
Identifiers: ClinVar variation 1055665 (VCV001055665.11), dbSNP rs2105990585, ClinGen allele CA2499215605.